The following is an entry in ClinVar:

NM_020631.6(PLEKHG5):c.1A>G (p.Met1Val)

Genes: PLEKHG5 (pleckstrin homology and RhoGEF domain containing G5; minus strand), LOC126805598 (MED14-independent group 3 enhancer GRCh37_chr1:6536823-6538022; plus strand). Cytogenetic location: 1p36.31.
Variant type: single nucleotide variant.
Coding change: c.1A>G on transcript NM_020631.6 (MANE Select); coding-DNA position 1, A replaced by G.
Protein change: p.Met1Val; changes the start codon (methionine 1).
Molecular consequence: missense variant, initiator codon variant.
Genome position (GRCh38, 1-based): chr1:6,477,571, T>C on the plus strand (A>G on the coding strand, the complement: PLEKHG5 is on the minus strand). VCF-style: chr1-6477571-T-C. GRCh37 (hg19) VCF-style: chr1-6537631-T-C.
Other names: c.112A>G, p.Met38Val (NM_001042663.3, NM_001265592.2); c.1A>G, p.Met1Val (NM_001042664.2, NM_001042665.2, NM_001265594.3 and 1 more transcripts); c.208A>G, p.Met70Val (NM_001265593.2); short protein forms M38V, M70V, M1V.
Identifiers: ClinVar variation 2089338 (VCV002089338.5), dbSNP rs2523250777, ClinGen allele CA338142105.

ClinVar aggregate classification (germline): Uncertain significance (1 of 4 stars; one submission).

Conditions:
Charcot-Marie-Tooth disease recessive intermediate C. Also called: CHARCOT-MARIE-TOOTH NEUROPATHY, RECESSIVE INTERMEDIATE C. Identifiers: Orphanet 369867, MedGen C3809309, MONDO:0014154, OMIM 615376.
Neuronopathy, distal hereditary motor, autosomal recessive 4. Also called: Autosomal recessive lower motor neuron disease with childhood onset; NEUROPATHY, DISTAL HEREDITARY MOTOR, AUTOSOMAL RECESSIVE 4. Identifiers: Orphanet 206580, MedGen C1970211, MONDO:0012608, OMIM 611067.

Allele frequency attached by ClinVar (database versions not stated): gnomAD exomes below 0.00001.

Submission:

Labcorp Genetics (formerly Invitae), Labcorp
Classification: Uncertain significance for Neuronopathy, distal hereditary motor, autosomal recessive 4; Charcot-Marie-Tooth disease recessive intermediate C. Last evaluated: 2022-01-24. Review status: criteria provided, single submitter. Criteria: Invitae Variant Classification Sherloc (09022015). Collection method: clinical testing. Allele origin: germline.
Comment: This variant is not present in population databases (gnomAD no frequency). This sequence change affects the initiator methionine of the PLEKHG5 mRNA. The next in-frame methionine is located at codon 95. This variant has not been reported in the literature in individuals affected with PLEKHG5-related conditions. In summary, the available evidence is currently insufficient to determine the role of this variant in disease. Therefore, it has been classified as a Variant of Uncertain Significance. Experimental studies and prediction algorithms are not available or were not evaluated, and the functional significance of this variant is currently unknown.